The following is an entry in ClinVar:

NM_001561.6(TNFRSF9):c.722G>A (p.Cys241Tyr)

Gene: TNFRSF9 (TNF receptor superfamily member 9; minus strand). Cytogenetic location: 1p36.23.
Variant type: single nucleotide variant.
Coding change: c.722G>A on transcript NM_001561.6 (MANE Select); coding-DNA position 722, G replaced by A.
Protein change: p.Cys241Tyr; replaces cysteine 241 with tyrosine.
Molecular consequence: missense variant.
Genome position (GRCh38, 1-based): chr1:7,920,881, C>T on the plus strand (G>A on the coding strand, the complement: TNFRSF9 is on the minus strand). VCF-style: chr1-7920881-C-T. GRCh37 (hg19) VCF-style: chr1-7980941-C-T.
Other names: c.722G>A (NM_001561.5); short protein forms C241Y.
Identifiers: ClinVar variation 999175 (VCV000999175.10), dbSNP rs752191416, ClinGen allele CA569116.

ClinVar aggregate classification (germline): Uncertain significance. Review status: criteria provided, multiple submitters, no conflicts (2 of 4 stars). 2 submissions from 2 submitters: Uncertain significance (2). Last evaluated 2026-01-27.

Conditions:
Inborn genetic diseases. Identifiers: MedGen C0950123, MeSH D030342.

Allele frequency attached by ClinVar (database versions not stated): TOPMed 0.00002; gnomAD exomes 0.00005 and 0.00011; gnomAD 0.00006; ExAC 0.00012.

Submissions (2):

Labcorp Genetics (formerly Invitae), Labcorp
Classification: Uncertain significance. Last evaluated: 2026-01-27. Review status: criteria provided, single submitter. Criteria: Invitae Variant Classification Sherloc (09022015). Collection method: clinical testing. Allele origin: germline.
Comment: This sequence change replaces cysteine, which is neutral and slightly polar, with tyrosine, which is neutral and polar, at codon 241 of the TNFRSF9 protein (p.Cys241Tyr). This variant is present in population databases (rs752191416, gnomAD 0.02%). This variant has not been reported in the literature in individuals affected with TNFRSF9-related conditions. ClinVar contains an entry for this variant (Variation ID: 999175). An algorithm developed to predict the effect of missense changes on protein structure and function (PolyPhen-2) suggests that this variant is likely to be disruptive. In summary, the available evidence is currently insufficient to determine the role of this variant in disease. Therefore, it has been classified as a Variant of Uncertain Significance.

Ambry Genetics
Classification: Uncertain significance for Inborn genetic diseases. Last evaluated: 2025-12-22. Review status: criteria provided, single submitter. Criteria: Ambry Variant Classification Scheme 2023. Collection method: clinical testing. Allele origin: germline.